The following is an entry in ClinVar:

NM_003001.5(SDHC):c.367C>G (p.Pro123Ala)

Gene: SDHC (succinate dehydrogenase complex subunit C; plus strand). Cytogenetic location: 1q23.3.
Variant type: single nucleotide variant.
Coding change: c.367C>G on transcript NM_003001.5 (MANE Select); coding-DNA position 367, C replaced by G.
Protein change: p.Pro123Ala; replaces proline 123 with alanine.
Molecular consequence: missense variant. On other transcripts: non-coding transcript variant (1), intron variant (3).
Genome position (GRCh38, 1-based): chr1:161,356,802, C>G. VCF-style: chr1-161356802-C-G. GRCh37 (hg19) VCF-style: chr1-161326592-C-G.
Other names: c.265C>G, p.Pro89Ala (NM_001035512.3); c.208C>G, p.Pro70Ala (NM_001035513.3); c.487C>G, p.Pro163Ala (NM_001407115.1); c.310C>G, p.Pro104Ala (NM_001407116.1); c.304C>G, p.Pro102Ala (NM_001407117.1); c.259C>G, p.Pro87Ala (NM_001407118.1); c.256C>G, p.Pro86Ala (NM_001407119.1, NM_001407120.1); c.242-5527C>G (NM_001035511.3); and 2 more; short protein forms P89A, P123A, P70A, P87A, P102A, P104A, P163A, P86A.
Identifiers: ClinVar variation 1039570 (VCV001039570.6), dbSNP rs773039986, ClinGen allele CA047082.

ClinVar aggregate classification (germline): Uncertain significance (1 of 4 stars; one submission).

Conditions:
Gastrointestinal stromal tumor. Also called: Gastrointestinal stromal tumor, somatic; Gastrointestinal stroma tumor. Identifiers: Orphanet 44890, MedGen C0238198, MeSH D046152, MONDO:0011719, OMIM 606764, HP:0100723.
Pheochromocytoma/paraganglioma syndrome 3. Also called: GLOMUS TUMORS, FAMILIAL, 3; SDHC-Related Hereditary Paraganglioma-Pheochromocytoma Syndrome (Paragangliomas 3); Paragangliomas 3; SDHC-Related Hereditary Paraganglioma-Pheochromocytoma Syndrome. Identifiers: Orphanet 29072, MedGen C1854336, MONDO:0011544, OMIM 605373.

gnomAD v4.1: 1 of 1,613,998 alleles (0.000062%); highest among the groups gnomAD compares: Admixed American, 0.0017%; no homozygotes.

Submission:

Labcorp Genetics (formerly Invitae), Labcorp
Classification: Uncertain significance for Pheochromocytoma/paraganglioma syndrome 3; Gastrointestinal stromal tumor. Last evaluated: 2020-03-11. Review status: criteria provided, single submitter. Criteria: Invitae Variant Classification Sherloc (09022015). Collection method: clinical testing. Allele origin: germline.
Comment: This sequence change replaces proline with alanine at codon 123 of the SDHC protein (p.Pro123Ala). The proline residue is highly conserved and there is a small physicochemical difference between proline and alanine. This variant is present in population databases (rs773039986, ExAC 0.009%). This variant has not been reported in the literature in individuals with SDHC-related conditions. Algorithms developed to predict the effect of missense changes on protein structure and function are either unavailable or do not agree on the potential impact of this missense change (SIFT: "Deleterious"; PolyPhen-2: "Probably Damaging"; Align-GVGD: "Class C0"). In summary, the available evidence is currently insufficient to determine the role of this variant in disease. Therefore, it has been classified as a Variant of Uncertain Significance.